The following is an entry in ClinVar:

NM_000117.3(EMD):c.73C>A (p.Pro25Thr)

Gene: EMD (emerin; plus strand). Cytogenetic location: Xq28.
Variant type: single nucleotide variant.
Coding change: c.73C>A on transcript NM_000117.3 (MANE Select); coding-DNA position 73, C replaced by A.
Protein change: p.Pro25Thr; replaces proline 25 with threonine.
Molecular consequence: missense variant.
Genome position (GRCh38, 1-based): chrX:154,379,557, C>A. VCF-style: chrX-154379557-C-A. GRCh37 (hg19) VCF-style: chrX-153607917-C-A.
Other names: short protein forms P25T.
Identifiers: ClinVar variation 234992 (VCV000234992.11), dbSNP rs876661346, ClinGen allele CA10581191.

ClinVar aggregate classification (germline): Uncertain significance. Review status: criteria provided, multiple submitters, no conflicts (2 of 4 stars). 3 submissions from 3 submitters: Uncertain significance (3). Last evaluated 2024-12-04.

Conditions:
X-linked Emery-Dreifuss muscular dystrophy. Also called: Muscular dystrophy, tardive Emery-Dreifuss type, with contractures. Identifiers: Orphanet 261, Orphanet 98863, MedGen C0751337, MONDO:0010680.

Allele frequency attached by ClinVar (database versions not stated): TOPMed 0.00002.

Submissions (3):

Labcorp Genetics (formerly Invitae), Labcorp
Classification: Uncertain significance for X-linked Emery-Dreifuss muscular dystrophy. Last evaluated: 2024-12-04. Review status: criteria provided, single submitter. Criteria: Invitae Variant Classification Sherloc (09022015). Collection method: clinical testing. Allele origin: germline.
Comment: This sequence change replaces proline, which is neutral and non-polar, with threonine, which is neutral and polar, at codon 25 of the EMD protein (p.Pro25Thr). This variant is not present in population databases (gnomAD no frequency). This variant has not been reported in the literature in individuals affected with EMD-related conditions. ClinVar contains an entry for this variant (Variation ID: 234992). Invitae Evidence Modeling of protein sequence and biophysical properties (such as structural, functional, and spatial information, amino acid conservation, physicochemical variation, residue mobility, and thermodynamic stability) indicates that this missense variant is expected to disrupt EMD protein function with a positive predictive value of 80%. In summary, the available evidence is currently insufficient to determine the role of this variant in disease. Therefore, it has been classified as a Variant of Uncertain Significance.

GeneDx
Classification: Uncertain significance. Last evaluated: 2021-11-11. Review status: criteria provided, single submitter. Criteria: GeneDx Variant Classification Process June 2021. Collection method: clinical testing. Allele origin: germline. Affected: yes.
Comment: Has not been previously published as pathogenic or benign to our knowledge; Not observed at significant frequency in large population cohorts (Lek et al., 2016); In silico analysis supports that this missense variant has a deleterious effect on protein structure/function; Reported in ClinVar as a variant of uncertain significance (ClinVar Variant ID# 234992; Landrum et al., 2016)

Stanford Center for Inherited Cardiovascular Disease, Stanford University
Classification: Uncertain significance. Last evaluated: 2015-06-12. Review status: criteria provided, single submitter. Criteria: ACMG Guidelines, 2015. Collection method: provider interpretation. Allele origin: germline.